The following is an entry in ClinVar:

NM_001365951.3(KIF1B):c.2386G>A (p.Asp796Asn)

Gene: KIF1B (kinesin family member 1B; plus strand). Cytogenetic location: 1p36.22.
Variant type: single nucleotide variant.
Coding change: c.2386G>A on transcript NM_001365951.3 (MANE Select); coding-DNA position 2386, G replaced by A.
Protein change: p.Asp796Asn; replaces aspartic acid 796 with asparagine.
Molecular consequence: missense variant.
Genome position (GRCh38, 1-based): chr1:10,323,911, G>A. VCF-style: chr1-10323911-G-A. GRCh37 (hg19) VCF-style: chr1-10383969-G-A.
Other names: c.2386G>A, p.Asp796Asn (NM_001365952.1); c.2248G>A, p.Asp750Asn (NM_015074.3); short protein forms D750N, D796N.
Identifiers: ClinVar variation 388416 (VCV000388416.2), dbSNP rs1057523099, ClinGen allele CA16603376.

ClinVar aggregate classification (germline): Uncertain significance (1 of 4 stars; one submission).

Allele frequency attached by ClinVar (database versions not stated): TOPMed below 0.00001.

Submission:

GeneDx
Classification: Uncertain significance. Last evaluated: 2016-08-11. Review status: criteria provided, single submitter. Criteria: GeneDx Variant Classification (06012015). Collection method: clinical testing. Allele origin: germline. Affected: yes.
Comment: The D750N variant in the KIF1B gene has not been reported previously as a pathogenic variant, nor as a benign variant, to our knowledge. The D750N variant was not observed in approximately 6500 individuals of European and African American ancestry in the NHLBI Exome Sequencing Project, indicating it is not a common benign variant in these populations. The D750N variant is a semi-conservative amino acid substitution, which may impact secondary protein structure as these residues differ in some properties. This substitution occurs at a position that is conserved across species and in silico analysis predicts this variant is probably damaging to the protein structure/function. We interpret D750N as a variant of uncertain significance